The following is an entry in ClinVar:

NM_000784.4(CYP27A1):c.642G>T (p.Leu214Phe)

Gene: CYP27A1 (cytochrome P450 family 27 subfamily A member 1; plus strand). Cytogenetic location: 2q35.
Variant type: single nucleotide variant.
Coding change: c.642G>T on transcript NM_000784.4 (MANE Select); coding-DNA position 642, G replaced by T.
Protein change: p.Leu214Phe; replaces leucine 214 with phenylalanine.
Molecular consequence: missense variant.
Genome position (GRCh38, 1-based): chr2:218,812,417, G>T. VCF-style: chr2-218812417-G-T. GRCh37 (hg19) VCF-style: chr2-219677140-G-T.
Other names: short protein forms L214F.
Identifiers: ClinVar variation 1753488 (VCV001753488.2), dbSNP rs1393281206, ClinGen allele CA350585678.

ClinVar aggregate classification (germline): Uncertain significance (1 of 4 stars; one submission).

Conditions:
Cardiovascular phenotype. Identifiers: MedGen CN230736.

Allele frequency attached by ClinVar (database versions not stated): gnomAD exomes below 0.00001.

Submission:

Ambry Genetics
Classification: Uncertain significance for Cardiovascular phenotype. Last evaluated: 2021-12-23. Review status: criteria provided, single submitter. Criteria: Ambry Variant Classification Scheme 2023. Collection method: clinical testing. Allele origin: germline.
Comment: The p.L214F variant (also known as c.642G>T), located in coding exon 3 of the CYP27A1 gene, results from a G to T substitution at nucleotide position 642. The leucine at codon 214 is replaced by phenylalanine, an amino acid with highly similar properties. This amino acid position is conserved. In addition, this alteration is predicted to be tolerated by in silico analysis. Since supporting evidence is limited at this time, the clinical significance of this alteration remains unclear.